The following is an entry in ClinVar:

NM_001818.5(AKR1C4):c.166AAT[1] (p.Asn57del)

Gene: AKR1C4 (aldo-keto reductase family 1 member C4; plus strand). Cytogenetic location: 10p15.1.
Variant type: Microsatellite.
Coding change: c.166AAT[1] on transcript NM_001818.5 (MANE Select); one copy of the 3-base unit AAT starting at c.166; the reference has two copies in a row; one copy, 3 bases deleted.
Protein change: p.Asn57del; deletes asparagine 57.
Molecular consequence: inframe deletion.
Genome position (GRCh38, 1-based): chr10:5,200,265-5,200,267, AAT deleted; deleting any 3 consecutive bases within chr10:5,200,262-5,200,267 gives the same sequence; the position shown is the placement nearest the transcript's 3' end. VCF-style (leftmost placement, unchanged base first): chr10-5200261-CAAT-C. GRCh37 (hg19) VCF-style: chr10-5242224-CAAT-C.
Other names: c.169_171delAAT (NM_001818.3); short protein forms N57del.
Identifiers: ClinVar variation 2053467 (VCV002053467.6), dbSNP rs534769965, ClinGen allele CA5391296.

ClinVar aggregate classification (germline): Likely benign. Review status: criteria provided, single submitter (1 of 4 stars). 2 submissions from 2 submitters: Likely benign (1). 1 of the submissions does not count toward it. Last evaluated 2025-11-28.

Conditions:
AKR1C4-related disorder. Also called: AKR1C4-related condition.

Submissions (2):

Labcorp Genetics (formerly Invitae), Labcorp
Classification: Likely benign. Last evaluated: 2025-11-28. Review status: criteria provided, single submitter. Criteria: Invitae Variant Classification Sherloc (09022015). Collection method: clinical testing. Allele origin: germline.

PreventionGenetics, part of Exact Sciences
Classification: Likely benign for AKR1C4-related condition. Last evaluated: 2022-04-05. Review status: no assertion criteria provided. Collection method: clinical testing. Allele origin: germline. Not counted in ClinVar's aggregate classification.
Comment: This variant is classified as likely benign based on ACMG/AMP sequence variant interpretation guidelines (Richards et al. 2015 PMID: 25741868, with internal and published modifications).